The following is an entry in ClinVar:

ClinVar aggregate classification (germline): Pathogenic. Review status: criteria provided, multiple submitters, no conflicts (2 of 4 stars). 2 submissions from 2 submitters: Pathogenic (2). Last evaluated 2025-09-03.

Conditions:
Hereditary cancer-predisposing syndrome. Also called: Tumor predisposition; Hereditary neoplastic syndrome; Neoplastic Syndromes, Hereditary; Hereditary Cancer Syndrome. Identifiers: Orphanet 140162, MedGen C0027672, MeSH D009386, MONDO:0015356.
Familial cancer of breast. Also called: Hereditary breast cancer; BREAST CANCER, FAMILIAL; hereditary breast carcinoma. Identifiers: Orphanet 227535, MedGen C0346153, MONDO:0016419, OMIM 114480. Disease mechanism: loss of function.

Submissions (2):

Ambry Genetics
Classification: Pathogenic for Hereditary cancer-predisposing syndrome. Last evaluated: 2025-09-03. Review status: criteria provided, single submitter. Criteria: Ambry Variant Classification Scheme 2023. Collection method: clinical testing. Allele origin: germline.
Comment: The c.158delG pathogenic mutation, located in coding exon 2 of the BRIP1 gene, results from a deletion of one nucleotide at nucleotide position 158, causing a translational frameshift with a predicted alternate stop codon (p.S53Tfs*2). This variant is considered to be rare based on population cohorts in the Genome Aggregation Database (gnomAD). This alteration is expected to result in loss of function by premature protein truncation or nonsense-mediated mRNA decay. As such, this alteration is interpreted as a disease-causing mutation.

Myriad Genetics, Inc.
Classification: Pathogenic for Familial cancer of breast. Last evaluated: 2023-05-30. Review status: criteria provided, single submitter. Criteria: Myriad Autosomal Dominant, Autosomal Recessive and X-Linked Classification Criteria (2023). Collection method: clinical testing. Allele origin: unknown.
Comment: This variant is considered pathogenic. This variant creates a frameshift predicted to result in premature protein truncation.

NM_032043.3(BRIP1):c.158del (p.Ser53fs)

Gene: BRIP1 (BRCA1 interacting DNA helicase 1; minus strand). Cytogenetic location: 17q23.2.
Variant type: Deletion.
Coding change: c.158del on transcript NM_032043.3 (MANE Select); coding-DNA position 158, one base deleted (G; older notation c.158delG).
Protein change: p.Ser53fs; shifts the reading frame from serine 53.
Molecular consequence: frameshift variant.
Genome position (GRCh38, 1-based): chr17:61,859,843, C deleted on the plus strand (G on the coding strand, the reverse complement: BRIP1 is on the minus strand). VCF-style (leftmost placement, unchanged base first): chr17-61859842-GC-G. GRCh37 (hg19) VCF-style: chr17-59937203-GC-G.
Other names: short protein forms S53fs.
Identifiers: ClinVar variation 2583296 (VCV002583296.3), dbSNP rs2545472337, ClinGen allele CA2582342259.